The following is an entry in ClinVar:

NM_015072.5(TTLL5):c.3177_3180del (p.Thr1059_Asn1060insTer)

Gene: TTLL5 (tubulin tyrosine ligase like 5; plus strand). Cytogenetic location: 14q24.3.
Variant type: Deletion.
Coding change: c.3177_3180del on transcript NM_015072.5 (MANE Select); coding-DNA positions 3177 to 3180, 4 bases deleted (AAAC; older notation c.3177_3180delAAAC).
Protein change: p.Thr1059_Asn1060insTer.
Molecular consequence: frameshift variant.
Genome position (GRCh38, 1-based): chr14:75,820,012-75,820,015, AAAC deleted; deleting any 4 consecutive bases within chr14:75,820,009-75,820,015 gives the same sequence; the c. name uses the placement nearest the transcript's 3' end. VCF-style (leftmost placement, unchanged base first): chr14-75820008-TAACA-T. GRCh37 (hg19) VCF-style: chr14-76286351-TAACA-T.
Other names: c.3177_3180delAAAC (NM_015072.4).
Identifiers: ClinVar variation 845763 (VCV000845763.13), dbSNP rs772656461, ClinGen allele CA7279948.

ClinVar aggregate classification (germline): Conflicting classifications of pathogenicity. Review status: criteria provided, conflicting classifications (1 of 4 stars). 6 submissions from 6 submitters: Pathogenic (2); Likely pathogenic (2); Uncertain significance (2). Last evaluated 2026-07-01.

Conditions:
TTLL5-related disorder. Also called: TTLL5-related condition.
Cone-rod dystrophy 19 (CORD19). Identifiers: Orphanet 1872, MedGen C4014501, MONDO:0014372, OMIM 615860.

Submissions (6):

PreventionGenetics, part of Exact Sciences
Classification: Uncertain significance for TTLL5-related condition. Last evaluated: 2026-07-01. Review status: criteria provided, single submitter. Criteria: ACMG Guidelines, 2015. Collection method: clinical testing. Allele origin: germline.
Comment: The TTLL5 c.3177_3180delAAAC variant is predicted to result in premature protein termination (p.Asn1060*). This variant was reported, along with a second known or potentially causative variant in the same gene, in patients with retinal disease (Oh et al. 2022. PubMed ID: 35365235; supplementary data, Chen et al. 2021. PubMed ID: 33608557). This variant is reported in 0.29% of alleles in individuals of East Asian descent in gnomAD, including 2 homozygotes. Although we suspect that this variant may be pathogenic, at this time, the clinical significance of this variant is uncertain due to the absence of conclusive functional and genetic evidence.

Labcorp Genetics (formerly Invitae), Labcorp
Classification: Pathogenic. Last evaluated: 2026-01-24. Review status: criteria provided, single submitter. Criteria: Invitae Variant Classification Sherloc (09022015). Collection method: clinical testing. Allele origin: germline.
Comment: This sequence change creates a premature translational stop signal (p.Asn1060*) in the TTLL5 gene. It is expected to result in an absent or disrupted protein product. Loss-of-function variants in TTLL5 are known to be pathogenic (PMID: 24791901, 27162334). This variant is present in population databases (rs772656461, gnomAD 0.3%), including at least one homozygous and/or hemizygous individual. This premature translational stop signal has been observed in individual(s) with clinical features of cone-rod dystrophy (internal data). ClinVar contains an entry for this variant (Variation ID: 845763). For these reasons, this variant has been classified as Pathogenic.

GeneDx
Classification: Likely pathogenic. Last evaluated: 2025-02-20. Review status: criteria provided, single submitter. Criteria: GeneDx Variant Classification Process June 2021. Collection method: clinical testing. Allele origin: germline. Affected: yes.
Comment: Nonsense variant predicted to result in protein truncation or nonsense mediated decay in a gene for which loss-of-function is a known mechanism of disease; This variant is associated with the following publications: (PMID: 31964843, 35365235, 33608557)

SingHealth Duke-NUS Institute of Precision Medicine
Classification: Likely pathogenic for Cone-rod dystrophy 19. Last evaluated: 2025-02-05. Review status: criteria provided, single submitter. Criteria: PRISM ACMG Classification Criteria. Collection method: clinical testing. Allele origin: germline. Affected: yes.
Comment: Variant is predicted to cause nonsense-mediated decay in a gene where LOF is a known disease mechanism (PVS1).

Blueprint Genetics
Classification: Uncertain significance. Last evaluated: 2024-06-17. Review status: criteria provided, single submitter. Criteria: ACMG Guidelines, 2015. Collection method: clinical testing. Allele origin: germline.

Juno Genomics, Hangzhou Juno Genomics, Inc
Classification: Pathogenic for Cone-rod dystrophy 19. Review status: criteria provided, single submitter. Criteria: ACMG Guidelines, 2015. Collection method: clinical testing. Allele origin: germline.
Comment: Absent from controls (or at extremely low frequency if recessive) in Genome Aggregation Database.;Null variant in a gene where loss of function (LOF) is a known mechanism of disease.;For recessive disorders, detected in trans with a pathogenic variant.

Literature cited by the submitters: PubMed 24791901 (cited by Labcorp Genetics (formerly Invitae), Labcorp); PubMed 27162334 (cited by Labcorp Genetics (formerly Invitae), Labcorp).